The following is an entry in ClinVar:

NM_001556.3(IKBKB):c.674A>G (p.Asn225Ser)

Gene: IKBKB (inhibitor of nuclear factor kappa B kinase subunit beta; plus strand). Cytogenetic location: 8p11.21.
Variant type: single nucleotide variant.
Coding change: c.674A>G on transcript NM_001556.3 (MANE Select); coding-DNA position 674, A replaced by G.
Protein change: p.Asn225Ser; replaces asparagine 225 with serine.
Molecular consequence: missense variant. On other transcripts: non-coding transcript variant (3).
Genome position (GRCh38, 1-based): chr8:42,309,007, A>G. VCF-style: chr8-42309007-A-G. GRCh37 (hg19) VCF-style: chr8-42166525-A-G.
Other names: c.482A>G, p.Asn161Ser (NM_001190720.3); c.497A>G, p.Asn166Ser (NM_001242778.2); short protein forms N166S, N161S, N225S.
Identifiers: ClinVar variation 957836 (VCV000957836.4), dbSNP rs200288567, ClinGen allele CA4731740.

ClinVar aggregate classification (germline): Uncertain significance (1 of 4 stars; one submission).

Conditions:
Severe combined immunodeficiency due to IKK2 deficiency. Also called: IMMUNODEFICIENCY 15B; Immunodeficiency 15. Identifiers: Orphanet 397787, MedGen C4747743, MONDO:0014267, OMIM 615592.

Allele frequency attached by ClinVar (database versions not stated): gnomAD exomes 0.00001; ExAC 0.00002; TOPMed 0.00003; gnomAD 0.00004 and 0.00005; 1000 Genomes Project 0.00020; 1000 Genomes Project 30x 0.00031.
gnomAD v4.1: 19 of 1,614,008 alleles (0.0012%); highest among the groups gnomAD compares: African/African-American, 0.013%; no homozygotes.

Submission:

Labcorp Genetics (formerly Invitae), Labcorp
Classification: Uncertain significance for Severe combined immunodeficiency due to IKK2 deficiency. Last evaluated: 2022-06-22. Review status: criteria provided, single submitter. Criteria: Invitae Variant Classification Sherloc (09022015). Collection method: clinical testing. Allele origin: germline.
Comment: This sequence change replaces asparagine, which is neutral and polar, with serine, which is neutral and polar, at codon 225 of the IKBKB protein (p.Asn225Ser). This variant is present in population databases (rs200288567, gnomAD 0.005%). This variant has not been reported in the literature in individuals affected with IKBKB-related conditions. ClinVar contains an entry for this variant (Variation ID: 957836). Advanced modeling of protein sequence and biophysical properties (such as structural, functional, and spatial information, amino acid conservation, physicochemical variation, residue mobility, and thermodynamic stability) performed at Invitae indicates that this missense variant is not expected to disrupt IKBKB protein function. Algorithms developed to predict the effect of sequence changes on RNA splicing suggest that this variant may create or strengthen a splice site. In summary, the available evidence is currently insufficient to determine the role of this variant in disease. Therefore, it has been classified as a Variant of Uncertain Significance.